The following is an entry in ClinVar:

NM_032119.4(ADGRV1):c.9317A>C (p.Glu3106Ala)

Gene: ADGRV1 (adhesion G protein-coupled receptor V1; plus strand). Cytogenetic location: 5q14.3.
Variant type: single nucleotide variant.
Coding change: c.9317A>C on transcript NM_032119.4 (MANE Select); coding-DNA position 9317, A replaced by C.
Protein change: p.Glu3106Ala; replaces glutamic acid 3106 with alanine.
Molecular consequence: missense variant. On other transcripts: non-coding transcript variant (1).
Genome position (GRCh38, 1-based): chr5:90,716,599, A>C. VCF-style: chr5-90716599-A-C. GRCh37 (hg19) VCF-style: chr5-90012416-A-C.
Other names: c.9317A>C (NM_032119.3); short protein forms E3106A.
Identifiers: ClinVar variation 1043286 (VCV001043286.7), dbSNP rs1255494440, ClinGen allele CA360397368.

ClinVar aggregate classification (germline): Uncertain significance. Review status: criteria provided, multiple submitters, no conflicts (2 of 4 stars). 2 submissions from 2 submitters: Uncertain significance (2). Last evaluated 2023-12-24.

Allele frequency attached by ClinVar (database versions not stated): gnomAD exomes below 0.00001; TOPMed below 0.00001.
gnomAD v4.1: 1 of 1,613,866 alleles (0.000062%); highest among the groups gnomAD compares: East Asian, 0.0022%; no homozygotes.

Submissions (2):

GeneDx
Classification: Uncertain significance. Last evaluated: 2023-12-24. Review status: criteria provided, single submitter. Criteria: GeneDx Variant Classification Process June 2021. Collection method: clinical testing. Allele origin: germline. Affected: yes.
Comment: Not observed at significant frequency in large population cohorts (gnomAD); In silico analysis supports that this missense variant has a deleterious effect on protein structure/function; Has not been previously published as pathogenic or benign to our knowledge

Labcorp Genetics (formerly Invitae), Labcorp
Classification: Uncertain significance. Last evaluated: 2021-08-31. Review status: criteria provided, single submitter. Criteria: Invitae Variant Classification Sherloc (09022015). Collection method: clinical testing. Allele origin: germline.
Comment: This sequence change replaces glutamic acid with alanine at codon 3106 of the ADGRV1 protein (p.Glu3106Ala). The glutamic acid residue is moderately conserved and there is a moderate physicochemical difference between glutamic acid and alanine. This variant is not present in population databases (ExAC no frequency). This variant has not been reported in the literature in individuals affected with ADGRV1-related conditions. Algorithms developed to predict the effect of missense changes on protein structure and function are either unavailable or do not agree on the potential impact of this missense change (SIFT: "Deleterious"; PolyPhen-2: "Possibly Damaging"; Align-GVGD: "Class C0"). In summary, the available evidence is currently insufficient to determine the role of this variant in disease. Therefore, it has been classified as a Variant of Uncertain Significance.